The following is an entry in ClinVar:

NM_001145026.2(PTPRQ):c.1199T>C (p.Val400Ala)

Gene: PTPRQ (protein tyrosine phosphatase receptor type Q; plus strand). Cytogenetic location: 12q21.31.
Variant type: single nucleotide variant.
Coding change: c.1199T>C on transcript NM_001145026.2 (MANE Select); coding-DNA position 1199, T replaced by C.
Protein change: p.Val400Ala; replaces valine 400 with alanine.
Molecular consequence: missense variant.
Genome position (GRCh38, 1-based): chr12:80,484,445, T>C. VCF-style: chr12-80484445-T-C. GRCh37 (hg19) VCF-style: chr12-80878224-T-C.
Other names: short protein forms V400A.
Identifiers: ClinVar variation 4996148 (VCV004996148.1).

ClinVar aggregate classification (germline): Uncertain significance (1 of 4 stars; one submission).

Conditions:
PTPRQ-related disorder. Also called: PTPRQ-related condition.

gnomAD v4.1: 2 of 1,549,582 alleles (0.00013%); highest among the groups gnomAD compares: African/African-American, 0.0014%; no homozygotes.

Submission:

PreventionGenetics, part of Exact Sciences
Classification: Uncertain significance for PTPRQ-related condition. Last evaluated: 2026-08-07. Review status: criteria provided, single submitter. Criteria: ACMG Guidelines, 2015. Collection method: clinical testing. Allele origin: germline.
Comment: The PTPRQ c.1199T>C variant is predicted to result in the amino acid substitution p.Val400Ala. To our knowledge, this variant has not been reported in the literature or in a large population database (gnomAD), indicating this variant is rare. At this time, the clinical significance of this variant is uncertain due to the absence of conclusive functional and genetic evidence.